The following is an entry in ClinVar:

NM_015100.4(POGZ):c.1486T>C (p.Cys496Arg)

Gene: POGZ (pogo transposable element derived with ZNF domain; minus strand). Cytogenetic location: 1q21.3.
Variant type: single nucleotide variant.
Coding change: c.1486T>C on transcript NM_015100.4 (MANE Select); coding-DNA position 1486, T replaced by C.
Protein change: p.Cys496Arg; replaces cysteine 496 with arginine.
Molecular consequence: missense variant.
Genome position (GRCh38, 1-based): chr1:151,423,986, A>G on the plus strand (T>C on the coding strand, the complement: POGZ is on the minus strand). VCF-style: chr1-151423986-A-G. GRCh37 (hg19) VCF-style: chr1-151396462-A-G.
Other names: c.1201T>C, p.Cys401Arg (NM_145796.4); c.1327T>C, p.Cys443Arg (NM_207171.2); c.1459T>C, p.Cys487Arg (NM_001194937.2); c.1300T>C, p.Cys434Arg (NM_001194938.2); c.1507T>C, p.Cys503Arg (NM_001410860.1); short protein forms C401R, C434R, C443R, C487R, C496R, C503R.
Identifiers: ClinVar variation 4082556 (VCV004082556.1).

ClinVar aggregate classification (germline): Likely pathogenic (1 of 4 stars; one submission).

Submission:

GeneDx
Classification: Likely pathogenic. Last evaluated: 2025-03-15. Review status: criteria provided, single submitter. Criteria: GeneDx Variant Classification Process June 2021. Collection method: clinical testing. Allele origin: germline. Affected: yes.
Comment: Not observed at significant frequency in large population cohorts (gnomAD); In silico analysis supports that this missense variant has a deleterious effect on protein structure/function; Has not been previously published as pathogenic or benign to our knowledge